The following is an entry in ClinVar:

NM_000390.4(CHM):c.1008T>C (p.Ile336=)

Gene: CHM (CHM Rab escort protein; minus strand). Cytogenetic location: Xq21.2.
Variant type: single nucleotide variant.
Coding change: c.1008T>C on transcript NM_000390.4 (MANE Select); coding-DNA position 1008, T replaced by C.
Protein change: p.Ile336=; no amino-acid change (isoleucine 336 retained).
Molecular consequence: synonymous variant.
Genome position (GRCh38, 1-based): chrX:85,956,311, A>G on the plus strand (T>C on the coding strand, the complement: CHM is on the minus strand). VCF-style: chrX-85956311-A-G. GRCh37 (hg19) VCF-style: chrX-85211316-A-G.
Other names: c.564T>C, p.Ile188= (NM_001320959.1, NM_001362517.1, NM_001362518.2 and 1 more transcripts).
Identifiers: ClinVar variation 704633 (VCV000704633.36), dbSNP rs749991144, ClinGen allele CA10465478.

ClinVar aggregate classification (germline): Benign/Likely benign. Review status: criteria provided, multiple submitters, no conflicts (2 of 4 stars). 4 submissions from 4 submitters: Benign (1); Likely benign (2). 1 of the submissions does not count toward it. Last evaluated 2025-11-08.

Conditions:
Choroideremia. Also called: Chorioretinal scalloped atrophy. Identifiers: Orphanet 180, MedGen C0008525, MONDO:0010557, OMIM 303100, HP:0001139.

Allele frequency attached by ClinVar (database versions not stated): ExAC 0.00002; gnomAD 0.00002 and 0.00003; gnomAD exomes 0.00002 and 0.00004; TOPMed 0.00002.
gnomAD v4.1: 23 of 1,209,954 alleles (0.0019%); highest among the groups gnomAD compares: Middle Eastern, 0.023%; no homozygotes.

Submissions (4):

Labcorp Genetics (formerly Invitae), Labcorp
Classification: Benign. Last evaluated: 2025-11-08. Review status: criteria provided, single submitter. Criteria: Invitae Variant Classification Sherloc (09022015). Collection method: clinical testing. Allele origin: germline.

Blueprint Genetics
Classification: Likely benign. Last evaluated: 2024-09-16. Review status: criteria provided, single submitter. Criteria: ACMG Guidelines, 2015. Collection method: clinical testing. Allele origin: germline.

CeGaT Center for Human Genetics Tuebingen
Classification: Likely benign. Last evaluated: 2023-02-01. Review status: criteria provided, single submitter. Criteria: CeGaT Center For Human Genetics Tuebingen Variant Classification Criteria Version 2. Collection method: clinical testing. Allele origin: germline. Affected: yes. Observed: 1 variant allele.
Comment: CHM: BP4, BS2

Natera, Inc.
Classification: Uncertain significance for Choroideremia. Last evaluated: 2020-03-17. Review status: no assertion criteria provided. Collection method: clinical testing. Allele origin: germline. Not counted in ClinVar's aggregate classification.